The following is an entry in ClinVar:

NM_001384474.1(LOXHD1):c.1894G>A (p.Gly632Ser)

Gene: LOXHD1 (lipoxygenase homology PLAT domains 1; minus strand). Cytogenetic location: 18q21.1.
Variant type: single nucleotide variant.
Coding change: c.1894G>A on transcript NM_001384474.1 (MANE Select); coding-DNA position 1894, G replaced by A.
Protein change: p.Gly632Ser; replaces glycine 632 with serine.
Molecular consequence: missense variant.
Genome position (GRCh38, 1-based): chr18:46,577,783, C>T on the plus strand (G>A on the coding strand, the complement: LOXHD1 is on the minus strand). VCF-style: chr18-46577783-C-T. GRCh37 (hg19) VCF-style: chr18-44157746-C-T.
Other names: c.1894G>A, p.Gly632Ser (NM_144612.7); short protein forms G632S.
Identifiers: ClinVar variation 517598 (VCV000517598.21), dbSNP rs35088381, ClinGen allele CA8952739.

ClinVar aggregate classification (germline): Conflicting classifications of pathogenicity. Review status: criteria provided, conflicting classifications (1 of 4 stars). 6 submissions from 6 submitters: Uncertain significance (3); Likely benign (3). Last evaluated 2026-01-20.

Conditions:
LOXHD1-related disorder. Also called: LOXHD1-related condition.
Autosomal recessive nonsyndromic hearing loss 77. Identifiers: Orphanet 90636, MedGen C2746083, MONDO:0013119, OMIM 613079.

Allele frequency attached by ClinVar (database versions not stated): TOPMed 0.00021; 1000 Genomes Project 30x 0.00031; 1000 Genomes Project 0.00040.
gnomAD v4.1: 98 of 1,551,602 alleles (0.0063%); highest among the groups gnomAD compares: East Asian, 0.18%; no homozygotes.

Submissions (6):

Labcorp Genetics (formerly Invitae), Labcorp
Classification: Likely benign. Last evaluated: 2026-01-20. Review status: criteria provided, single submitter. Criteria: Invitae Variant Classification Sherloc (09022015). Collection method: clinical testing. Allele origin: germline.

PreventionGenetics, part of Exact Sciences
Classification: Likely benign for LOXHD1-related condition. Last evaluated: 2025-03-31. Review status: criteria provided, single submitter. Criteria: ACMG Guidelines, 2015. Collection method: clinical testing. Allele origin: germline.
Comment: This variant is classified as likely benign based on ACMG/AMP sequence variant interpretation guidelines (Richards et al. 2015 PMID: 25741868, with internal and published modifications).

Blueprint Genetics
Classification: Uncertain significance. Last evaluated: 2023-10-18. Review status: criteria provided, single submitter. Criteria: ACMG Guidelines, 2015. Collection method: clinical testing. Allele origin: germline.

GeneDx
Classification: Uncertain significance. Last evaluated: 2023-08-01. Review status: criteria provided, single submitter. Criteria: GeneDx Variant Classification Process June 2021. Collection method: clinical testing. Allele origin: germline. Affected: yes.
Comment: In silico analysis supports that this missense variant has a deleterious effect on protein structure/function; Has not been previously published as pathogenic or benign to our knowledge

Illumina Laboratory Services, Illumina
Classification: Uncertain significance for Autosomal recessive nonsyndromic hearing loss 77. Last evaluated: 2018-01-12. Review status: criteria provided, single submitter. Criteria: ICSL Variant Classification Criteria 13 December 2019. Collection method: clinical testing. Allele origin: germline.

Laboratory for Molecular Medicine, Mass General Brigham Personalized Medicine
Classification: Likely benign. Last evaluated: 2017-09-12. Review status: criteria provided, single submitter. Criteria: LMM Criteria. Collection method: clinical testing. Allele origin: germline. Observed: 2 variant alleles.
Comment: p.Gly632Ser in exon 14 of LOXHD1: This variant is not expected to have clinical significance because it has been identified in 0.47% (56/11858) of East Asian ch romosomes by the Genome Aggregation Database (gnomAD; dbSNP rs35088381).